The following is an entry in ClinVar:

ClinVar aggregate classification (germline): Uncertain significance (1 of 4 stars; one submission).

Conditions:
Ehlers-Danlos syndrome, musculocontractural type 2 (EDSMC2). Identifiers: Orphanet 2953, MedGen C3809845, MONDO:0014236, OMIM 615539.

Submission:

Labcorp Genetics (formerly Invitae), Labcorp
Classification: Uncertain significance for Ehlers-Danlos syndrome, musculocontractural type 2. Last evaluated: 2020-12-21. Review status: criteria provided, single submitter. Criteria: Invitae Variant Classification Sherloc (09022015). Collection method: clinical testing. Allele origin: germline.
Comment: In summary, the available evidence is currently insufficient to determine the role of this variant in disease. Therefore, it has been classified as a Variant of Uncertain Significance. Algorithms developed to predict the effect of missense changes on protein structure and function are either unavailable or do not agree on the potential impact of this missense change (SIFT: "Not Available"; PolyPhen-2: "Possibly Damaging"; Align-GVGD: "Not Available"). This variant has not been reported in the literature in individuals with DSE-related conditions. This variant is not present in population databases (ExAC no frequency). This sequence change replaces aspartic acid with asparagine at codon 454 of the DSE protein (p.Asp454Asn). The aspartic acid residue is highly conserved and there is a small physicochemical difference between aspartic acid and asparagine.

NM_013352.4(DSE):c.1360G>A (p.Asp454Asn)

Gene: DSE (dermatan sulfate epimerase; plus strand). Cytogenetic location: 6q22.1.
Variant type: single nucleotide variant.
Coding change: c.1360G>A on transcript NM_013352.4 (MANE Select); coding-DNA position 1360, G replaced by A.
Protein change: p.Asp454Asn; replaces aspartic acid 454 with asparagine.
Molecular consequence: missense variant. On other transcripts: 3 prime UTR variant (2), non-coding transcript variant (1).
Genome position (GRCh38, 1-based): chr6:116,435,828, G>A. VCF-style: chr6-116435828-G-A. GRCh37 (hg19) VCF-style: chr6-116756991-G-A.
Other names: c.1360G>A, p.Asp454Asn (NM_001080976.3, NM_001322937.2, NM_001322938.2); c.1417G>A, p.Asp473Asn (NM_001322939.2); c.799G>A, p.Asp267Asn (NM_001322940.2, NM_001322941.2); c.*225G>A (NM_001322943.2, NM_001322944.2); c.361G>A, p.Asp121Asn (NM_001374520.1); c.325G>A, p.Asp109Asn (NM_001374521.1); short protein forms D267N, D454N, D109N, D121N, D473N.
Identifiers: ClinVar variation 1419648 (VCV001419648.6), dbSNP rs2115094114, ClinGen allele CA365399873.
Genomic context (GRCh38, chr6:116,435,828, plus strand): 5'-AACAAATACAAAGATTGGATCAAAGGATGGAGAAATTTTAATGCAGGGCATGAACATCCT[G>A]ATCAAAACTCATTTACTTTTGCTCCCAATGGTGTGCCTTTCATTACTGAGGCTCTGTACG-3'
Protein context (NP_037484.1, residues 444-464): RNFNAGHEHP[Asp454Asn]QNSFTFAPNG